The following is an entry in ClinVar:

ClinVar aggregate classification (germline): Uncertain significance (1 of 4 stars; one submission).

Submission:

Labcorp Genetics (formerly Invitae), Labcorp
Classification: Uncertain significance. Last evaluated: 2021-07-08. Review status: criteria provided, single submitter. Criteria: Invitae Variant Classification Sherloc (09022015). Collection method: clinical testing. Allele origin: germline.
Comment: This sequence change replaces asparagine with threonine at codon 1081 of the POLR1A protein (p.Asn1081Thr). This variant is not present in population databases (ExAC no frequency). This variant has not been reported in the literature in individuals affected with POLR1A-related conditions. Algorithms developed to predict the effect of missense changes on protein structure and function are either unavailable or do not agree on the potential impact of this missense change (SIFT: "Not Available"; PolyPhen-2: "Benign"; Align-GVGD: "Not Available"). In summary, the available evidence is currently insufficient to determine the role of this variant in disease. Therefore, it has been classified as a Variant of Uncertain Significance.

NM_015425.6(POLR1A):c.3242A>C (p.Asn1081Thr)

Gene: POLR1A (RNA polymerase I subunit A; minus strand). Cytogenetic location: 2p11.2.
Variant type: single nucleotide variant.
Coding change: c.3242A>C on transcript NM_015425.6 (MANE Select); coding-DNA position 3242, A replaced by C.
Protein change: p.Asn1081Thr; replaces asparagine 1081 with threonine.
Molecular consequence: missense variant.
Genome position (GRCh38, 1-based): chr2:86,043,089, T>G on the plus strand (A>C on the coding strand, the complement: POLR1A is on the minus strand). VCF-style: chr2-86043089-T-G. GRCh37 (hg19) VCF-style: chr2-86270212-T-G.
Other names: short protein forms N1081T.
Identifiers: ClinVar variation 1402225 (VCV001402225.8), dbSNP rs778353349, ClinGen allele CA347537800.
Genomic context (GRCh38, chr2:86,043,089, plus strand): 5'-TTCACAGCTTCCTGAATTTTCTGGGAATAACTCAAGAAGGCGCCTCTTCTCAGCAGGGTG[T>G]TGGGGTGCTTGCTTTGCCATTTTTTGATAGCTCTGAAGTGGTGGAGAGCTTTTTTGGGAT-3'
Protein context (NP_056240.2, residues 1071-1091): AIKKWQSKHP[Asn1081Thr]TLLRRGAFLS